The following is an entry in ClinVar:

ClinVar aggregate classification (germline): Uncertain significance (1 of 4 stars; one submission).

Conditions:
Cohen syndrome (COH1). Also called: PEPPER SYNDROME; Cutis verticis gyrata, retinitis pigmentosa, and sensorineural deafness. Identifiers: Orphanet 193, MedGen C0265223, MONDO:0008999, OMIM 216550.

Submission:

Labcorp Genetics (formerly Invitae), Labcorp
Classification: Uncertain significance for Cohen syndrome. Last evaluated: 2022-01-13. Review status: criteria provided, single submitter. Criteria: Invitae Variant Classification Sherloc (09022015). Collection method: clinical testing. Allele origin: germline.
Comment: This sequence change replaces leucine, which is neutral and non-polar, with proline, which is neutral and non-polar, at codon 1757 of the VPS13B protein (p.Leu1757Pro). This variant is not present in population databases (gnomAD no frequency). This variant has not been reported in the literature in individuals affected with VPS13B-related conditions. ClinVar contains an entry for this variant (Variation ID: 1044912). Algorithms developed to predict the effect of missense changes on protein structure and function are either unavailable or do not agree on the potential impact of this missense change (SIFT: "Not Available"; PolyPhen-2: "Probably Damaging"; Align-GVGD: "Not Available"). In summary, the available evidence is currently insufficient to determine the role of this variant in disease. Therefore, it has been classified as a Variant of Uncertain Significance.

NM_152564.5(VPS13B):c.5195T>C (p.Leu1732Pro)

Gene: VPS13B (vacuolar protein sorting 13 homolog B; plus strand). Cytogenetic location: 8q22.2.
Variant type: single nucleotide variant.
Coding change: c.5195T>C on transcript NM_152564.5 (MANE Select); coding-DNA position 5195, T replaced by C.
Protein change: p.Leu1732Pro; replaces leucine 1732 with proline.
Molecular consequence: missense variant.
Genome position (GRCh38, 1-based): chr8:99,577,608, T>C. VCF-style: chr8-99577608-T-C. GRCh37 (hg19) VCF-style: chr8-100589836-T-C.
Other names: c.5270T>C, p.Leu1757Pro (NM_017890.5); short protein forms L1732P, L1757P.
Identifiers: ClinVar variation 1044912 (VCV001044912.6), dbSNP rs1825837477, ClinGen allele CA371875470.
Genomic context (GRCh38, chr8:99,577,608, plus strand): 5'-TCCTAAGTGTGGCTCAAGTTCAACTCTTACATCAGTTAATAGTAGCAAATATGACTGGAC[T>C]GGAACCATCAAACAAGGCTGCAGAGGTAACTGTTACCTGATTTTGATCAGGCTTACTGCA-3'
Protein context (NP_689777.3, residues 1722-1742): HQLIVANMTG[Leu1732Pro]EPSNKAAEIS